The following is an entry in ClinVar:

NM_015999.6(ADIPOR1):c.449T>C (p.Phe150Ser)

Gene: ADIPOR1 (adiponectin receptor 1; minus strand). Cytogenetic location: 1q32.1.
Variant type: single nucleotide variant.
Coding change: c.449T>C on transcript NM_015999.6 (MANE Select); coding-DNA position 449, T replaced by C.
Protein change: p.Phe150Ser; replaces phenylalanine 150 with serine.
Molecular consequence: missense variant.
Genome position (GRCh38, 1-based): chr1:202,945,151, A>G on the plus strand (T>C on the coding strand, the complement: ADIPOR1 is on the minus strand). VCF-style: chr1-202945151-A-G. GRCh37 (hg19) VCF-style: chr1-202914279-A-G.
Other names: c.449T>C, p.Phe150Ser (NM_001290553.2, NM_001290557.1, NM_001290629.1); short protein forms F150S.
Identifiers: ClinVar variation 3655736 (VCV003655736.2).

ClinVar aggregate classification (germline): Uncertain significance (1 of 4 stars; one submission).

Submission:

Labcorp Genetics (formerly Invitae), Labcorp
Classification: Uncertain significance. Last evaluated: 2024-06-21. Review status: criteria provided, single submitter. Criteria: Invitae Variant Classification Sherloc (09022015). Collection method: clinical testing. Allele origin: germline.
Comment: This sequence change replaces phenylalanine, which is neutral and non-polar, with serine, which is neutral and polar, at codon 150 of the ADIPOR1 protein (p.Phe150Ser). This variant is not present in population databases (gnomAD no frequency). This variant has not been reported in the literature in individuals affected with ADIPOR1-related conditions. An algorithm developed to predict the effect of missense changes on protein structure and function (PolyPhen-2) suggests that this variant is likely to be tolerated. In summary, the available evidence is currently insufficient to determine the role of this variant in disease. Therefore, it has been classified as a Variant of Uncertain Significance.